The following is an entry in ClinVar:

ClinVar aggregate classification (germline): Conflicting classifications of pathogenicity. Review status: criteria provided, conflicting classifications (1 of 4 stars). 7 submissions from 7 submitters: Uncertain significance (5); Likely benign (1). 1 of the submissions does not count toward it. Last evaluated 2025-09-10.

Conditions:
Lynch syndrome. Identifiers: Orphanet 144, MedGen C4552100, MONDO:0005835. Disease mechanism: loss of function.
Hereditary nonpolyposis colorectal neoplasms. Identifiers: MedGen C0009405, MeSH D003123.
Hereditary cancer-predisposing syndrome. Also called: Neoplastic Syndromes, Hereditary; Tumor predisposition; Hereditary Cancer Syndrome; Hereditary neoplastic syndrome. Identifiers: Orphanet 140162, MedGen C0027672, MeSH D009386, MONDO:0015356.
Lynch syndrome 5 (LYNCH5). Also called: Colorectal cancer, hereditary nonpolyposis, type 5; Hereditary non-polyposis colorectal cancer, type 5. Identifiers: Orphanet 144, MedGen C1833477, MONDO:0013710, OMIM 614350. Disease mechanism: loss of function.

Submissions (7):

Labcorp Genetics (formerly Invitae), Labcorp
Classification: Likely benign for Hereditary nonpolyposis colorectal neoplasms. Last evaluated: 2025-09-10. Review status: criteria provided, single submitter. Criteria: Invitae Variant Classification Sherloc (09022015). Collection method: clinical testing. Allele origin: germline.

Ambry Genetics
Classification: Uncertain significance for Hereditary cancer-predisposing syndrome. Last evaluated: 2024-06-22. Review status: criteria provided, single submitter. Criteria: Ambry Variant Classification Scheme 2023. Collection method: clinical testing. Allele origin: germline.
Comment: The p.M1156T variant (also known as c.3467T>C), located in coding exon 6 of the MSH6 gene, results from a T to C substitution at nucleotide position 3467. The methionine at codon 1156 is replaced by threonine, an amino acid with similar properties. This variant was identified once in a study where patients underwent NGS panel testing for the mismatch repair and familial adenomatous polyposis genes (Rey JM et al. J Mol Diagn, 2017 07;19:589-601). This amino acid position is not well conserved in available vertebrate species. In addition, the in silico prediction for this alteration is inconclusive. Since supporting evidence is limited at this time, the clinical significance of this alteration remains unclear.

All of Us Research Program, National Institutes of Health
Classification: Uncertain significance for Lynch syndrome. Last evaluated: 2024-05-14. Review status: criteria provided, single submitter. Criteria: ACMG Guidelines, 2015. Collection method: clinical testing. Allele origin: germline. Inheritance: Autosomal dominant inheritance. Observed: 2 variant alleles, 2 heterozygotes.
Comment: This missense variant replaces methionine with threonine at codon 1156 of the MSH6 protein. Computational prediction is inconclusive regarding the impact of this variant on protein structure and function (internally defined REVEL score threshold 0.5 < inconclusive < 0.7, PMID: 27666373). To our knowledge, functional studies have not been reported for this variant. This variant has been reported in a cohort of individuals undergoing mismatch repair and familial adenomatous polyposis gene testing (PMID: 28502729). This variant has been identified in 1/251398 chromosomes in the general population by the Genome Aggregation Database (gnomAD). The available evidence is insufficient to determine the role of this variant in disease conclusively. Therefore, this variant is classified as a Variant of Uncertain Significance.

This study involves interpretation of variants in research participants for the purpose of population health screening. Participant phenotype was not available at the time of variant classification. Additional details can be found in publication PMID: 35346344, PMCID: PMC8962531

Color Diagnostics, LLC DBA Color Health
Classification: Uncertain significance for Hereditary cancer-predisposing syndrome. Last evaluated: 2024-04-25. Review status: criteria provided, single submitter. Criteria: ACMG Guidelines, 2015. Collection method: clinical testing. Allele origin: germline.
Comment: This missense variant replaces methionine with threonine at codon 1156 of the MSH6 protein. Computational prediction is inconclusive regarding the impact of this variant on protein structure and function (internally defined REVEL score threshold 0.5 < inconclusive < 0.7, PMID: 27666373). To our knowledge, functional studies have not been reported for this variant. This variant has been reported in a cohort of individuals undergoing mismatch repair and familial adenomatous polyposis gene testing (PMID: 28502729). This variant has been identified in 1/251398 chromosomes in the general population by the Genome Aggregation Database (gnomAD). The available evidence is insufficient to determine the role of this variant in disease conclusively. Therefore, this variant is classified as a Variant of Uncertain Significance.

Myriad Genetics, Inc.
Classification: Uncertain significance for Lynch syndrome 5. Last evaluated: 2023-03-27. Review status: criteria provided, single submitter. Criteria: Myriad Autosomal Dominant, Autosomal Recessive and X-Linked Classification Criteria (2023). Collection method: clinical testing. Allele origin: unknown.
Comment: This variant is classified as a variant of uncertain significance as there is insufficient evidence to determine its impact on protein function and/or cancer risk.

GeneDx
Classification: Uncertain significance. Last evaluated: 2017-07-05. Review status: criteria provided, single submitter. Criteria: GeneDx Variant Classification (06012015). Collection method: clinical testing. Allele origin: germline. Affected: yes.
Comment: This variant is denoted MSH6 c.3467T>C at the cDNA level, p.Met1156Thr (M1156T) at the protein level, and results in the change of a Methionine to a Threonine (ATG>ACG). This variant was observed in a patient that underwent testing for hereditary colon cancer (Rey 2017). MSH6 Met1156Thr was not observed in large population cohorts (NHLBI Exome Sequencing Project, The 1000 Genomes Consortium 2015, Lek 2016). Since Methionine and Threonine differ in polarity, charge, size or other properties, this is considered a non-conservative amino acid substitution. MSH6 Met1156Thr occurs at a position where amino acids with properties similar to Methionine are tolerated across species and is located within the ATPase domain (Warren 2007, Kansikas 2011). In silico analyses predict that this variant is probably damaging to protein structure and function. Based on currently available evidence, it is unclear whether MSH6 Met1156Thr is a pathogenic or benign variant. We consider it to be a variant of uncertain significance.

Counsyl
Classification: Uncertain significance for Lynch syndrome 5. Last evaluated: 2017-11-28. Review status: no assertion criteria provided. Collection method: clinical testing. Allele origin: unknown. Not counted in ClinVar's aggregate classification.

Literature cited by the submitters: PubMed 28502729 (cited by 4 submitters).

NM_000179.3(MSH6):c.3467T>C (p.Met1156Thr)

Gene: MSH6 (mutS homolog 6; plus strand). Cytogenetic location: 2p16.3.
Variant type: single nucleotide variant.
Coding change: c.3467T>C on transcript NM_000179.3 (MANE Select); coding-DNA position 3467, T replaced by C.
Protein change: p.Met1156Thr; replaces methionine 1156 with threonine.
Molecular consequence: missense variant.
Genome position (GRCh38, 1-based): chr2:47,804,938, T>C. VCF-style: chr2-47804938-T-C. GRCh37 (hg19) VCF-style: chr2-48032077-T-C.
Other names: c.2561T>C, p.Met854Thr (NM_001281494.2, NM_001281493.2); c.3077T>C, p.Met1026Thr (NM_001281492.2); short protein forms M1156T, M1026T, M854T.
Identifiers: ClinVar variation 232091 (VCV000232091.25), dbSNP rs876659549, ClinGen allele CA10578145.